The following is an entry in ClinVar:

NM_181882.3(PRX):c.500G>A (p.Arg167His)

Gene: PRX (periaxin; minus strand). Cytogenetic location: 19q13.2.
Variant type: single nucleotide variant.
Coding change: c.500G>A on transcript NM_181882.3 (MANE Select); coding-DNA position 500, G replaced by A.
Protein change: p.Arg167His; replaces arginine 167 with histidine.
Molecular consequence: missense variant. On other transcripts: 3 prime UTR variant (1).
Genome position (GRCh38, 1-based): chr19:40,397,852, C>T on the plus strand (G>A on the coding strand, the complement: PRX is on the minus strand). VCF-style: chr19-40397852-C-T. GRCh37 (hg19) VCF-style: chr19-40903759-C-T.
Other names: c.*705G>A (NM_020956.2); short protein forms R167H.
Identifiers: ClinVar variation 659819 (VCV000659819.12), dbSNP rs757322355, ClinGen allele CA9444440.
Genomic context (GRCh38, chr19:40,397,852, plus strand): 5'-CGCCGGCGGGCAGGGGCAGCCGGGACAGGACCCTTGACAGCCTCGGCTTTGAGGCCCCGA[C>T]GCAGGCGGGAGAACTTGGGAAAGGAGAACTCGACGTCAACAGGGGCCAGGTCAGCGGGGA-3'
Protein context (NP_870998.2, residues 157-177): EFSFPKFSRL[Arg167His]RGLKAEAVKG

ClinVar aggregate classification (germline): Uncertain significance. Review status: criteria provided, multiple submitters, no conflicts (2 of 4 stars). 5 submissions from 5 submitters: Uncertain significance (5). Last evaluated 2026-08-20.

Conditions:
PRX-related disorder. Also called: PRX-related condition; PRX-Related Disorders.
Charcot-Marie-Tooth disease. Also called: Charcot-Marie-Tooth Hereditary Neuropathy; Charcot-Marie-Tooth Neuropathy. Identifiers: Orphanet 166, MedGen C0007959, MONDO:0015626.
Inborn genetic diseases. Identifiers: MedGen C0950123, MeSH D030342.
Charcot-Marie-Tooth disease type 4. Also called: Charcot-Marie-Tooth disease, type IV; Charcot-Marie-Tooth, Type 4. Identifiers: Orphanet 64749, MedGen C4082197, MONDO:0018995.

Allele frequency attached by ClinVar (database versions not stated): TOPMed 0.00002.
gnomAD v4.1: 20 of 1,603,548 alleles (0.0012%); highest among the groups gnomAD compares: East Asian, 0.0045%; no homozygotes.

Submissions (5):

PreventionGenetics, part of Exact Sciences
Classification: Uncertain significance for PRX-related condition. Last evaluated: 2026-08-20. Review status: criteria provided, single submitter. Criteria: ACMG Guidelines, 2015. Collection method: clinical testing. Allele origin: germline.
Comment: The PRX c.500G>A variant is predicted to result in the amino acid substitution p.Arg167His. To our knowledge, this variant has not been reported in the literature. This variant is reported in 0.0058% of alleles in individuals of East Asian descent in gnomAD. At this time, the clinical significance of this variant is uncertain due to the absence of conclusive functional and genetic evidence.

Ambry Genetics
Classification: Uncertain significance for Inborn genetic diseases. Last evaluated: 2024-12-20. Review status: criteria provided, single submitter. Criteria: Ambry Variant Classification Scheme 2023. Collection method: clinical testing. Allele origin: germline.

Women's Health and Genetics/Laboratory Corporation of America, LabCorp
Classification: Uncertain significance. Last evaluated: 2024-02-07. Review status: criteria provided, single submitter. Criteria: LabCorp Variant Classification Summary - May 2015. Collection method: clinical testing. Allele origin: germline.
Comment: Variant summary: PRX c.500G>A (p.Arg167His) results in a non-conservative amino acid change in the encoded protein sequence. Three of five in-silico tools predict a benign effect of the variant on protein function. The variant allele was found at a frequency of 1.8e-05 in 225716 control chromosomes. The available data on variant occurrences in the general population are insufficient to allow any conclusion about variant significance. To our knowledge, no occurrence of c.500G>A in individuals affected with PRX-Related Disorders and no experimental evidence demonstrating its impact on protein function have been reported. ClinVar contains an entry for this variant (Variation ID: 659819). Based on the evidence outlined above, the variant was classified as uncertain significance.

Labcorp Genetics (formerly Invitae), Labcorp
Classification: Uncertain significance for Charcot-Marie-Tooth disease type 4. Last evaluated: 2021-11-04. Review status: criteria provided, single submitter. Criteria: Invitae Variant Classification Sherloc (09022015). Collection method: clinical testing. Allele origin: germline.
Comment: This sequence change replaces arginine, which is basic and polar, with histidine, which is basic and polar, at codon 167 of the PRX protein (p.Arg167His). This variant is present in population databases (rs757322355, gnomAD 0.006%). This variant has not been reported in the literature in individuals affected with PRX-related conditions. ClinVar contains an entry for this variant (Variation ID: 659819). Algorithms developed to predict the effect of missense changes on protein structure and function are either unavailable or do not agree on the potential impact of this missense change (SIFT: "Tolerated"; PolyPhen-2: "Possibly Damaging"; Align-GVGD: "Class C0"). In summary, the available evidence is currently insufficient to determine the role of this variant in disease. Therefore, it has been classified as a Variant of Uncertain Significance.

Molecular Genetics Laboratory, London Health Sciences Centre
Classification: Uncertain significance for Charcot-Marie-Tooth disease. Review status: criteria provided, single submitter. Criteria: ACMG Guidelines, 2015. Collection method: clinical testing. Allele origin: germline. Affected: yes.